The following is an entry in ClinVar:

ClinVar aggregate classification (germline): Likely benign. Review status: criteria provided, multiple submitters, no conflicts (2 of 4 stars). 2 submissions from 2 submitters: Likely benign (2). Last evaluated 2026-06-28.

Conditions:
PKHD1-related disorder. Also called: PKHD1-related condition.
Autosomal recessive polycystic kidney disease (ARPKD). Also called: AR polycystic kidney disease. Identifiers: Orphanet 731, Orphanet 8378, MedGen C0085548, MeSH D017044, MONDO:0009889.

Allele frequency attached by ClinVar (database versions not stated): gnomAD exomes below 0.00001; ExAC 0.00001; gnomAD 0.00001; TOPMed 0.00002.
gnomAD v4.1: 4 of 1,614,094 alleles (0.00025%); highest among the groups gnomAD compares: Admixed American, 0.0033%; no homozygotes.

Submissions (2):

PreventionGenetics, part of Exact Sciences
Classification: Likely benign for PKHD1-related condition. Last evaluated: 2026-06-28. Review status: criteria provided, single submitter. Criteria: ACMG Guidelines, 2015. Collection method: clinical testing. Allele origin: germline.
Comment: This variant is classified as likely benign based on ACMG/AMP sequence variant interpretation guidelines (Richards et al. 2015 PMID: 25741868, with internal and published modifications).

Labcorp Genetics (formerly Invitae), Labcorp
Classification: Likely benign for Autosomal recessive polycystic kidney disease. Last evaluated: 2023-08-04. Review status: criteria provided, single submitter. Criteria: Invitae Variant Classification Sherloc (09022015). Collection method: clinical testing. Allele origin: germline.

NM_138694.4(PKHD1):c.4956T>C (p.Tyr1652=)

Genes: PKHD1 (PKHD1 ciliary IPT domain containing fibrocystin/polyductin; minus strand), LOC126859690 (MED14-independent group 3 enhancer GRCh37_chr6:51888848-51890047; plus strand). Cytogenetic location: 6p12.2.
Variant type: single nucleotide variant.
Coding change: c.4956T>C on transcript NM_138694.4 (MANE Select); coding-DNA position 4956, T replaced by C.
Protein change: p.Tyr1652=; no amino-acid change (tyrosine 1652 retained).
Molecular consequence: synonymous variant.
Genome position (GRCh38, 1-based): chr6:52,024,854, A>G on the plus strand (T>C on the coding strand, the complement: PKHD1 is on the minus strand). VCF-style: chr6-52024854-A-G. GRCh37 (hg19) VCF-style: chr6-51889652-A-G.
Other names: c.4956T>C, p.Tyr1652= (NM_170724.3); c.4956T>C (NM_138694.3).
Identifiers: ClinVar variation 2075808 (VCV002075808.5), dbSNP rs752133893, ClinGen allele CA3852637.